The following is an entry in ClinVar:

NM_001277313.2(FMN1):c.3110C>T (p.Thr1037Ile)

Gene: FMN1 (formin 1; minus strand). Cytogenetic location: 15q13.3.
Variant type: single nucleotide variant.
Coding change: c.3110C>T on transcript NM_001277313.2 (MANE Select); coding-DNA position 3110, C replaced by T.
Protein change: p.Thr1037Ile; replaces threonine 1037 with isoleucine.
Molecular consequence: missense variant.
Genome position (GRCh38, 1-based): chr15:32,964,135, G>A on the plus strand (C>T on the coding strand, the complement: FMN1 is on the minus strand). VCF-style: chr15-32964135-G-A. GRCh37 (hg19) VCF-style: chr15-33256336-G-A.
Other names: c.2441C>T, p.Thr814Ile (NM_001103184.4); short protein forms T1037I, T814I.
Identifiers: ClinVar variation 283833 (VCV000283833.8), dbSNP rs199988791, ClinGen allele CA7456767.

ClinVar aggregate classification (germline): Uncertain significance. Review status: criteria provided, multiple submitters, no conflicts (2 of 4 stars). 2 submissions from 2 submitters: Uncertain significance (2). Last evaluated 2023-08-02.

Allele frequency attached by ClinVar (database versions not stated): gnomAD exomes 0.00004 and 0.00017; ExAC 0.00005; TOPMed 0.00005.
gnomAD v4.1: 252 of 1,612,068 alleles (0.016%); highest among the groups gnomAD compares: Non-Finnish European, 0.021%; no homozygotes.

Submissions (2):

Labcorp Genetics (formerly Invitae), Labcorp
Classification: Uncertain significance. Last evaluated: 2023-08-02. Review status: criteria provided, single submitter. Criteria: Invitae Variant Classification Sherloc (09022015). Collection method: clinical testing. Allele origin: germline.
Comment: An algorithm developed to predict the effect of missense changes on protein structure and function (PolyPhen-2) suggests that this variant is likely to be disruptive. In summary, the available evidence is currently insufficient to determine the role of this variant in disease. Therefore, it has been classified as a Variant of Uncertain Significance. ClinVar contains an entry for this variant (Variation ID: 283833). This sequence change replaces threonine, which is neutral and polar, with isoleucine, which is neutral and non-polar, at codon 814 of the FMN1 protein (p.Thr814Ile). This variant is present in population databases (rs199988791, gnomAD 0.009%). This variant has not been reported in the literature in individuals affected with FMN1-related conditions.

Eurofins Ntd Llc (ga)
Classification: Uncertain significance. Last evaluated: 2015-10-26. Review status: criteria provided, single submitter. Criteria: EGL Classification Definitions 2015. Collection method: clinical testing. Allele origin: germline. Observed: 1 variant allele, 1 heterozygote.